The following is an entry in ClinVar:

ClinVar aggregate classification (germline): Likely benign (0 of 4 stars; one submission).

Conditions:
NUP107-related disorder. Also called: NUP107-related condition.

gnomAD v4.1: 10 of 1,521,482 alleles (0.00066%); highest among the groups gnomAD compares: Admixed American, 0.0097%; no homozygotes.

Submission:

PreventionGenetics, part of Exact Sciences
Classification: Likely benign for NUP107-related condition. Last evaluated: 2024-04-03. Review status: no assertion criteria provided. Collection method: clinical testing. Allele origin: germline.
Comment: This variant is classified as likely benign based on ACMG/AMP sequence variant interpretation guidelines (Richards et al. 2015 PMID: 25741868, with internal and published modifications).

NM_020401.4(NUP107):c.720C>T (p.Phe240=)

Gene: NUP107 (nucleoporin 107; plus strand). Cytogenetic location: 12q15.
Variant type: single nucleotide variant.
Coding change: c.720C>T on transcript NM_020401.4 (MANE Select); coding-DNA position 720, C replaced by T.
Protein change: p.Phe240=; no amino-acid change (phenylalanine 240 retained).
Molecular consequence: synonymous variant.
Genome position (GRCh38, 1-based): chr12:68,702,775, C>T. VCF-style: chr12-68702775-C-T. GRCh37 (hg19) VCF-style: chr12-69096555-C-T.
Other names: c.633C>T, p.Phe211= (NM_001330192.2).
Identifiers: ClinVar variation 3350264 (VCV003350264.1).